The following is an entry in ClinVar:

ClinVar aggregate classification (germline): Conflicting classifications of pathogenicity. Review status: criteria provided, conflicting classifications (1 of 4 stars). 11 submissions from 11 submitters: Uncertain significance (6); Likely benign (3). 2 of the submissions do not count toward it. Last evaluated 2025-12-17.

Conditions:
Breast-ovarian cancer, familial, susceptibility to, 1 (BROVCA1). Also called: OVARIAN CANCER, SUSCEPTIBILITY TO; BRCA1 Hereditary Breast and Ovarian Cancer. Identifiers: Orphanet 145, MedGen C2676676, MONDO:0011450, OMIM 604370. Disease mechanism: loss of function.
Pancreatic cancer, susceptibility to, 4. Identifiers: Orphanet 1333, MedGen C3280442, MONDO:0013685, OMIM 614320.
Fanconi anemia, complementation group S (FANCS). Identifiers: MedGen C4554406, MONDO:0054748, OMIM 617883.
Hereditary cancer-predisposing syndrome. Also called: Tumor predisposition; Neoplastic Syndromes, Hereditary; Hereditary Cancer Syndrome; Hereditary neoplastic syndrome. Identifiers: Orphanet 140162, MedGen C0027672, MeSH D009386, MONDO:0015356.
Hereditary breast ovarian cancer syndrome. Also called: Hereditary breast and ovarian cancer syndrome (HBOC); Hereditary breast and ovarian cancer syndrome; Hereditary breast and ovarian cancer; Hereditary breast and/or ovarian cancer syndrome; Breast and ovarian cancer; BRCA1- and BRCA2-Associated Hereditary Breast and Ovarian Cancer. Identifiers: Orphanet 145, MedGen C0677776, MeSH D061325, MONDO:0003582. Disease mechanism: loss of function.

Allele frequency attached by ClinVar (database versions not stated): gnomAD 0.00001 and 0.00003; TOPMed 0.00002.
gnomAD v4.1: 34 of 1,613,912 alleles (0.0021%); highest among the groups gnomAD compares: South Asian, 0.0033%; no homozygotes.

Submissions (11):

Labcorp Genetics (formerly Invitae), Labcorp
Classification: Uncertain significance for Hereditary breast ovarian cancer syndrome. Last evaluated: 2025-12-17. Review status: criteria provided, single submitter. Criteria: Invitae Variant Classification Sherloc (09022015). Collection method: clinical testing. Allele origin: germline.
Comment: This sequence change replaces arginine, which is basic and polar, with serine, which is neutral and polar, at codon 756 of the BRCA1 protein (p.Arg756Ser). This variant is present in population databases (rs80356884, gnomAD 0.01%). This missense change has been observed in individual(s) with breast, ovarian, or prostate cancer (PMID: 16826315, 24916970, 27257965, 30702160, 34326862, 35918668). This variant is also known as 2387G>C. ClinVar contains an entry for this variant (Variation ID: 54518). Invitae Evidence Modeling of protein sequence and biophysical properties (such as structural, functional, and spatial information, amino acid conservation, physicochemical variation, residue mobility, and thermodynamic stability) indicates that this missense variant is not expected to disrupt BRCA1 protein function with a negative predictive value of 80%. In summary, the available evidence is currently insufficient to determine the role of this variant in disease. Therefore, it has been classified as a Variant of Uncertain Significance.

Ambry Genetics
Classification: Uncertain significance for Hereditary cancer-predisposing syndrome. Last evaluated: 2025-02-28. Review status: criteria provided, single submitter. Criteria: Ambry Variant Classification Scheme 2023. Collection method: clinical testing. Allele origin: germline.
Comment: The p.R756S variant (also known as c.2268G>C), located in coding exon 9 of the BRCA1 gene, results from a G to C substitution at nucleotide position 2268. The arginine at codon 756 is replaced by serine, an amino acid with dissimilar properties. This alteration was seen in a cohort of Portuguese breast and ovarian cancer families who were selected for BRCA1/2 screening based on clinical criteria or their BRCAPRO score and was classified as a variant of unknown significance (Peixoto A et al. Clin. Genet. 2015 Jul;88:41-8). This alteration was also identified in 1/507 unselected Chinese breast cancer patients (Zhong X et al. PLoS One. 2016 Jun;11:e0156789). This amino acid position is not well conserved in available vertebrate species. In addition, this alteration is predicted to be tolerated by in silico analysis. Based on the available evidence, the clinical significance of this variant remains unclear.

Fulgent Genetics
Classification: Uncertain significance for Breast-ovarian cancer, familial, susceptibility to, 1; Pancreatic cancer, susceptibility to, 4; Fanconi anemia, complementation group S. Last evaluated: 2024-05-21. Review status: criteria provided, single submitter. Criteria: ACMG Guidelines, 2015. Collection method: clinical testing. Allele origin: germline.

Women's Health and Genetics/Laboratory Corporation of America, LabCorp
Classification: Uncertain significance. Last evaluated: 2024-03-19. Review status: criteria provided, single submitter. Criteria: LabCorp Variant Classification Summary - May 2015. Collection method: clinical testing. Allele origin: germline.
Comment: Variant summary: BRCA1 c.2268G>C (p.Arg756Ser) results in a non-conservative amino acid change in the encoded protein sequence. Four of five in-silico tools predict a benign effect of the variant on protein function. The variant allele was found at a frequency of 8e-06 in 251210 control chromosomes. The available data on variant occurrences in the general population are insufficient to allow any conclusion about variant significance. c.2268G>C has been reported in the literature as a VUS in individuals affected with Hereditary/familial Breast and Ovarian Cancer (e.g. Peixoto_2014), prostate cancer (e.g. Bhai_2021), or in a non-cancer control cohort (e.g. Kraemer_2019). These reports do not provide unequivocal conclusions about association of the variant with Hereditary Breast And Ovarian Cancer Syndrome. To our knowledge, no experimental evidence demonstrating an impact on protein function has been reported. The following publications have been ascertained in the context of this evaluation (PMID: 15385441, 24916970, 16826315, 34326862, 31422574). ClinVar contains an entry for this variant (Variation ID: 54518). Based on the evidence outlined above, the variant was classified as uncertain significance.

Quest Diagnostics Nichols Institute San Juan Capistrano
Classification: Uncertain significance. Last evaluated: 2023-06-21. Review status: criteria provided, single submitter. Criteria: Quest Diagnostics criteria. Collection method: clinical testing. Allele origin: unknown.
Comment: In the published literature, this variant has been reported in individuals with breast and/or ovarian cancer (PMID: 27257965 (2016), 24916970 (2015), 16826315 (2006)). The variant has also been reported in an individual with no personal history of cancer (PMID: 31422574 (2019)). This variant is located in a region of the BRCA1 protein that is tolerant to missense sequence changes (PMID: 31911673 (2020)). The frequency of this variant in the general population, 0.000014 (4/282606 chromosomes (Genome Aggregation Database)), is uninformative in the assessment of its pathogenicity. Analysis of this variant using bioinformatics tools for the prediction of the effect of amino acid changes on protein structure and function yielded conflicting predictions that this variant is benign or damaging. Based on the available information, we are unable to determine the clinical significance of this variant.

University of Washington Department of Laboratory Medicine, University of Washington
Classification: Likely benign for Hereditary cancer-predisposing syndrome. Last evaluated: 2023-03-23. Review status: criteria provided, single submitter. Criteria: Dines et al. (Genet Med. 2020). Collection method: curation. Allele origin: germline.
Comment: Missense variant in a coldspot region where missense variants are very unlikely to be pathogenic (PMID:31911673).

BRCA1 coldspot (exon 11 using historical exon numbering). Reclassification based on statistical prior probability

GeneDx
Classification: Likely benign. Last evaluated: 2019-06-06. Review status: criteria provided, single submitter. Criteria: GeneDx Variant Classification Process June 2021. Collection method: clinical testing. Allele origin: germline. Affected: yes.
Comment: This variant is associated with the following publications: (PMID: 16826315, 24916970)

Color Diagnostics, LLC DBA Color Health
Classification: Likely benign for Hereditary cancer-predisposing syndrome. Last evaluated: 2017-08-21. Review status: criteria provided, single submitter. Criteria: ACMG Guidelines, 2015. Collection method: clinical testing. Allele origin: germline.

Neuberg Centre For Genomic Medicine, NCGM
Classification: Uncertain significance for Breast-ovarian cancer, familial, susceptibility to, 1. Review status: criteria provided, single submitter. Criteria: ACMG Guidelines, 2015. Collection method: clinical testing. Allele origin: germline. Inheritance: Autosomal dominant inheritance. Affected: yes.
Comment: The missense variant c.2268G>C (p.R756S) in BRCA1 gene has been previously observed in 1/10076 (0.0099%) alleles from individuals of Ashkenazi Jewish background in the gnomAD dataset (Exome Aggregation Consortium et al., 2016), but was not seen in the homozygous state. The p.Arg756Ser variant is novel (not in any individuals) in 1000 Genomes. This variant has been reported to the ClinVar database with conflicting interpretations of pathogenicity. The amino acid Arg at position 756 is changed to a Ser changing protein sequence and it might alter its composition and physico-chemical properties. There is a moderate physicochemical difference between arginine and serine. In silico tools predict the variant to be tolerated. The residue is conserved across species. The amino acid change p.Arg756Ser in BRCA1 is predicted as conserved by GERP++. For these reasons, this variant has been classified as Uncertain Significance.

Counsyl
Classification: Uncertain significance for Breast-ovarian cancer, familial, susceptibility to, 1. Last evaluated: 2016-09-29. Review status: no assertion criteria provided. Collection method: clinical testing. Allele origin: unknown. Not counted in ClinVar's aggregate classification.

Breast Cancer Information Core (BIC) (BRCA1)
Classification: Uncertain significance for Breast-ovarian cancer, familial 1. Last evaluated: 2003-12-23. Review status: no assertion criteria provided. Collection method: clinical testing. Allele origin: germline. Affected: yes. Observed: 1 variant allele. Not counted in ClinVar's aggregate classification.

Literature cited by the submitters: PubMed 16826315 (cited by 4 submitters); PubMed 24916970 (cited by 4 submitters); PubMed 27257965 (cited by 3 submitters); PubMed 30702160 (cited by Labcorp Genetics (formerly Invitae), Labcorp and Ambry Genetics); PubMed 34326862 (cited by Labcorp Genetics (formerly Invitae), Labcorp and Women's Health and Genetics/Laboratory Corporation of America, LabCorp); PubMed 35918668 (cited by Labcorp Genetics (formerly Invitae), Labcorp); PubMed 15385441 (cited by Women's Health and Genetics/Laboratory Corporation of America, LabCorp); PubMed 31422574 (cited by Women's Health and Genetics/Laboratory Corporation of America, LabCorp and Quest Diagnostics Nichols Institute San Juan Capistrano); PubMed 31911673 (cited by Quest Diagnostics Nichols Institute San Juan Capistrano).

NM_007294.4(BRCA1):c.2268G>C (p.Arg756Ser)

Gene: BRCA1 (BRCA1 DNA repair associated; minus strand). Cytogenetic location: 17q21.31.
Variant type: single nucleotide variant.
Coding change: c.2268G>C on transcript NM_007294.4 (MANE Select); coding-DNA position 2268, G replaced by C.
Protein change: p.Arg756Ser; replaces arginine 756 with serine.
Molecular consequence: missense variant. On other transcripts: intron variant (137).
Genome position (GRCh38, 1-based): chr17:43,093,263, C>G on the plus strand (G>C on the coding strand, the complement: BRCA1 is on the minus strand). VCF-style: chr17-43093263-C-G. GRCh37 (hg19) VCF-style: chr17-41245280-C-G.
Other names: p.R756S:AGG>AGC; c.2124G>C, p.Arg708Ser (NM_001407841.1, NM_001407842.1, NM_001407843.1 and 20 more transcripts); c.2127G>C, p.Arg709Ser (NM_001407850.1, NM_001407851.1, NM_001407852.1 and 29 more transcripts); c.2055G>C, p.Arg685Ser (NM_001407853.1, NM_001407894.1, NM_001407895.1 and 9 more transcripts); c.2268G>C, p.Arg756Ser (NM_001407854.1, NM_001407858.1, NM_001407859.1 and 30 more transcripts); c.2265G>C, p.Arg755Ser (NM_001407860.1, NM_001407861.1, NM_001407587.1 and 22 more transcripts); c.2067G>C, p.Arg689Ser (NM_001407862.1); c.2145G>C, p.Arg715Ser (NM_001407863.1, NM_001407919.1, NM_001407937.1 and 19 more transcripts); and 42 more; short protein forms R756S, R709S, R645S, R685S, R689S, R708S, R753S, R628S.
Identifiers: ClinVar variation 54518 (VCV000054518.37), dbSNP rs80356884, ClinGen allele CA001515.